The following is an entry in ClinVar:

NM_025074.7(FRAS1):c.1153C>T (p.Arg385Ter)

Gene: FRAS1 (Fraser extracellular matrix complex subunit 1; plus strand). Cytogenetic location: 4q21.21.
Variant type: single nucleotide variant.
Coding change: c.1153C>T on transcript NM_025074.7 (MANE Select); coding-DNA position 1153, C replaced by T.
Protein change: p.Arg385Ter; replaces arginine 385 with a stop codon.
Molecular consequence: nonsense.
Genome position (GRCh38, 1-based): chr4:78,282,865, C>T. VCF-style: chr4-78282865-C-T. GRCh37 (hg19) VCF-style: chr4-79204019-C-T.
Other names: c.1153C>T, p.Arg385Ter (NM_001166133.2); short protein forms R385*.
Identifiers: ClinVar variation 916647 (VCV000916647.8), dbSNP rs775259788, ClinGen allele CA2976202.

ClinVar aggregate classification (germline): Pathogenic. Review status: criteria provided, multiple submitters, no conflicts (2 of 4 stars). 4 submissions from 4 submitters: Pathogenic (4). Last evaluated 2025-07-01.

Conditions:
FRAS1-related disorder. Also called: FRAS1-related condition.
Fraser syndrome 1 (FRASRS1). Also called: CRYPTOPHTHALMOS WITH OTHER MALFORMATIONS. Identifiers: Orphanet 2052, MedGen C4551480, MONDO:0054737, OMIM 219000.

Allele frequency attached by ClinVar (database versions not stated): ExAC 0.00001; gnomAD exomes 0.00001; TOPMed 0.00001.
gnomAD v4.1: 12 of 1,612,888 alleles (0.00074%); highest among the groups gnomAD compares: Non-Finnish European, 0.001%; no homozygotes.

Submissions (4):

PreventionGenetics, part of Exact Sciences
Classification: Pathogenic for FRAS1-related condition. Last evaluated: 2025-07-01. Review status: criteria provided, single submitter. Criteria: ACMG Guidelines, 2015. Collection method: clinical testing. Allele origin: germline.
Comment: The FRAS1 c.1153C>T variant is predicted to result in premature protein termination (p.Arg385*). This variant has been reported in an individual with Fraser syndrome (Midro et al. 2020. PubMed ID: 31999076). This variant is reported in 0.0018% of alleles in individuals of European (Non-Finnish) descent in gnomAD. Nonsense variants in FRAS1 are expected to be pathogenic. This variant is interpreted as pathogenic.

Fulgent Genetics
Classification: Pathogenic for Fraser syndrome 1. Last evaluated: 2024-04-03. Review status: criteria provided, single submitter. Criteria: ACMG Guidelines, 2015. Collection method: clinical testing. Allele origin: germline.

Labcorp Genetics (formerly Invitae), Labcorp
Classification: Pathogenic. Last evaluated: 2023-03-17. Review status: criteria provided, single submitter. Criteria: Invitae Variant Classification Sherloc (09022015). Collection method: clinical testing. Allele origin: germline.
Comment: This sequence change creates a premature translational stop signal (p.Arg385*) in the FRAS1 gene. It is expected to result in an absent or disrupted protein product. Loss-of-function variants in FRAS1 are known to be pathogenic (PMID: 12766769, 18671281). This variant is present in population databases (rs775259788, gnomAD 0.002%). This premature translational stop signal has been observed in individual(s) with Fraser syndrome (PMID: 31999076). ClinVar contains an entry for this variant (Variation ID: 916647). For these reasons, this variant has been classified as Pathogenic.

Service de Biochimie Médicale et Biologie Moléculaire, CHU Clermont-Ferrand
Classification: Pathogenic for Fraser syndrome 1. Last evaluated: 2018-09-14. Review status: criteria provided, single submitter. Criteria: ACMG Guidelines, 2015. Collection method: clinical testing. Allele origin: inherited. Inheritance: Autosomal recessive inheritance. Affected: yes.
Comment: This variant in homozygous state or compound heterozygous state induced Fraser syndrome phenotype

Literature cited by the submitters: PubMed 12766769 (cited by Labcorp Genetics (formerly Invitae), Labcorp); PubMed 18671281 (cited by Labcorp Genetics (formerly Invitae), Labcorp); PubMed 31999076 (cited by Labcorp Genetics (formerly Invitae), Labcorp).